The following is an entry in ClinVar:

NM_014141.6(CNTNAP2):c.3613A>G (p.Ile1205Val)

Gene: CNTNAP2 (contactin associated protein 2; plus strand). Cytogenetic location: 7q36.1.
Variant type: single nucleotide variant.
Coding change: c.3613A>G on transcript NM_014141.6 (MANE Select); coding-DNA position 3613, A replaced by G.
Protein change: p.Ile1205Val; replaces isoleucine 1205 with valine.
Molecular consequence: missense variant.
Genome position (GRCh38, 1-based): chr7:148,383,786, A>G. VCF-style: chr7-148383786-A-G. GRCh37 (hg19) VCF-style: chr7-148080878-A-G.
Other names: short protein forms I1205V.
Identifiers: ClinVar variation 1519161 (VCV001519161.6), dbSNP rs1799127351, ClinGen allele CA369704682.

ClinVar aggregate classification (germline): Uncertain significance (1 of 4 stars; one submission).

Conditions:
Cortical dysplasia-focal epilepsy syndrome (PTHSL1). Also called: Pitt-Hopkins-like syndrome 1. Identifiers: Orphanet 163681, Orphanet 221150, MedGen C2750246, MONDO:0012400, OMIM 610042.

Submission:

Labcorp Genetics (formerly Invitae), Labcorp
Classification: Uncertain significance for Cortical dysplasia-focal epilepsy syndrome. Last evaluated: 2023-07-17. Review status: criteria provided, single submitter. Criteria: Invitae Variant Classification Sherloc (09022015). Collection method: clinical testing. Allele origin: germline.
Comment: In summary, the available evidence is currently insufficient to determine the role of this variant in disease. Therefore, it has been classified as a Variant of Uncertain Significance. Algorithms developed to predict the effect of missense changes on protein structure and function output the following: SIFT: "Not Available"; PolyPhen-2: "Benign"; Align-GVGD: "Not Available". The valine amino acid residue is found in multiple mammalian species, which suggests that this missense change does not adversely affect protein function. ClinVar contains an entry for this variant (Variation ID: 1519161). This variant has not been reported in the literature in individuals affected with CNTNAP2-related conditions. This variant is not present in population databases (gnomAD no frequency). This sequence change replaces isoleucine, which is neutral and non-polar, with valine, which is neutral and non-polar, at codon 1205 of the CNTNAP2 protein (p.Ile1205Val).